The following is an entry in ClinVar:

NM_018249.6(CDK5RAP2):c.4838G>A (p.Ser1613Asn)

Gene: CDK5RAP2 (CDK5 regulatory subunit associated protein 2; minus strand). Cytogenetic location: 9q33.2.
Variant type: single nucleotide variant.
Coding change: c.4838G>A on transcript NM_018249.6 (MANE Select); coding-DNA position 4838, G replaced by A.
Protein change: p.Ser1613Asn; replaces serine 1613 with asparagine.
Molecular consequence: missense variant. On other transcripts: non-coding transcript variant (5), intron variant (1).
Genome position (GRCh38, 1-based): chr9:120,407,137, C>T on the plus strand (G>A on the coding strand, the complement: CDK5RAP2 is on the minus strand). VCF-style: chr9-120407137-C-T. GRCh37 (hg19) VCF-style: chr9-123169415-C-T.
Other names: c.4148G>A, p.Ser1383Asn (NM_001272039.2); c.4726+1210G>A (NM_001011649.3); c.4838G>A (NM_018249.4); short protein forms S1613N, S1383N.
Identifiers: ClinVar variation 500200 (VCV000500200.14), dbSNP rs202075321, ClinGen allele CA5213435.
Genomic context (GRCh38, chr9:120,407,137, plus strand): 5'-CCTTCCTGTGCCTTCTCTGCCCCCCTTGCCAGCTGTTCCTTGAGCCTGCTCTGCAGAGTG[C>T]TGCTGGTTTCGATGCTCCTTTCTAGTTGCAAGCGCAGAGCCTGGATCTCCATCAGGAGGC-3'
Protein context (NP_060719.4, residues 1603-1623): LQLERSIETS[Ser1613Asn]TLQSRLKEQL

ClinVar aggregate classification (germline): Conflicting classifications of pathogenicity. Review status: criteria provided, conflicting classifications (1 of 4 stars). 6 submissions from 6 submitters: Uncertain significance (4); Likely benign (1). 1 of the submissions does not count toward it. Last evaluated 2024-05-28.

Conditions:
CDK5RAP2-related disorder. Also called: CDK5RAP2-related condition.
Inborn genetic diseases. Identifiers: MedGen C0950123, MeSH D030342.

Allele frequency attached by ClinVar (database versions not stated): gnomAD exomes 0.00005 and 0.00011; ExAC 0.00013; ESP Exome Variant Server 0.00023; gnomAD 0.00044 and 0.00046; 1000 Genomes Project 30x 0.00047; TOPMed 0.00050; 1000 Genomes Project 0.00060.
gnomAD v4.1: 136 of 1,614,066 alleles (0.0084%); highest among the groups gnomAD compares: African/African-American, 0.17%; no homozygotes.

Submissions (6):

Ambry Genetics
Classification: Likely benign for Inborn genetic diseases. Last evaluated: 2024-05-28. Review status: criteria provided, single submitter. Criteria: Ambry Variant Classification Scheme 2023. Collection method: clinical testing. Allele origin: germline.

Labcorp Genetics (formerly Invitae), Labcorp
Classification: Uncertain significance. Last evaluated: 2022-07-19. Review status: criteria provided, single submitter. Criteria: Invitae Variant Classification Sherloc (09022015). Collection method: clinical testing. Allele origin: germline.
Comment: This sequence change replaces serine, which is neutral and polar, with asparagine, which is neutral and polar, at codon 1613 of the CDK5RAP2 protein (p.Ser1613Asn). This variant is present in population databases (rs202075321, gnomAD 0.2%). This variant has not been reported in the literature in individuals affected with CDK5RAP2-related conditions. ClinVar contains an entry for this variant (Variation ID: 500200). Algorithms developed to predict the effect of missense changes on protein structure and function output the following: SIFT: "Tolerated"; PolyPhen-2: "Possibly Damaging"; Align-GVGD: "Class C0". The asparagine amino acid residue is found in multiple mammalian species, which suggests that this missense change does not adversely affect protein function. In summary, the available evidence is currently insufficient to determine the role of this variant in disease. Therefore, it has been classified as a Variant of Uncertain Significance.

Genetic Services Laboratory, University of Chicago
Classification: Uncertain significance. Last evaluated: 2019-01-23. Review status: criteria provided, single submitter. Criteria: ACMG Guidelines, 2015. Collection method: clinical testing. Allele origin: germline. Affected: no.

Eurofins Ntd Llc (ga)
Classification: Uncertain significance. Last evaluated: 2017-03-08. Review status: criteria provided, single submitter. Criteria: EGL Classification Definitions 2015. Collection method: clinical testing. Allele origin: germline. Observed: 1 variant allele, 1 heterozygote.

Breakthrough Genomics
Classification: Uncertain significance. Review status: criteria provided, single submitter. Criteria: ACMG Guidelines, 2015. Collection method: not provided. Allele origin: germline. Inheritance: Autosomal recessive inheritance. Affected: yes.

PreventionGenetics, part of Exact Sciences
Classification: Likely benign for CDK5RAP2-related condition. Last evaluated: 2022-02-23. Review status: no assertion criteria provided. Collection method: clinical testing. Allele origin: germline. Not counted in ClinVar's aggregate classification.
Comment: This variant is classified as likely benign based on ACMG/AMP sequence variant interpretation guidelines (Richards et al. 2015 PMID: 25741868, with internal and published modifications).